The following is an entry in ClinVar:

ClinVar aggregate classification (germline): Uncertain significance (1 of 4 stars; one submission).

Conditions:
Cowden syndrome 6 (CWS6). Identifiers: Orphanet 201, MedGen C3554519, MONDO:0014048, OMIM 615109.

Allele frequency attached by ClinVar (database versions not stated): ExAC 0.00001; gnomAD 0.00001; gnomAD exomes 0.00001; TOPMed 0.00001.
gnomAD v4.1: 12 of 1,613,574 alleles (0.00074%); highest among the groups gnomAD compares: African/African-American, 0.0013%; no homozygotes.

Submission:

Labcorp Genetics (formerly Invitae), Labcorp
Classification: Uncertain significance for Cowden syndrome 6. Last evaluated: 2023-10-08. Review status: criteria provided, single submitter. Criteria: Invitae Variant Classification Sherloc (09022015). Collection method: clinical testing. Allele origin: germline.
Comment: This sequence change replaces isoleucine, which is neutral and non-polar, with threonine, which is neutral and polar, at codon 36 of the AKT1 protein (p.Ile36Thr). This variant is present in population databases (rs758157217, gnomAD 0.002%). This variant has not been reported in the literature in individuals affected with AKT1-related conditions. ClinVar contains an entry for this variant (Variation ID: 566644). Algorithms developed to predict the effect of missense changes on protein structure and function output the following: SIFT: "Not Available"; PolyPhen-2: "Benign"; Align-GVGD: "Not Available". The threonine amino acid residue is found in multiple mammalian species, which suggests that this missense change does not adversely affect protein function. In summary, the available evidence is currently insufficient to determine the role of this variant in disease. Therefore, it has been classified as a Variant of Uncertain Significance.

NM_001382430.1(AKT1):c.107T>C (p.Ile36Thr)

Gene: AKT1 (AKT serine/threonine kinase 1; minus strand). Cytogenetic location: 14q32.33.
Variant type: single nucleotide variant.
Coding change: c.107T>C on transcript NM_001382430.1 (MANE Select); coding-DNA position 107, T replaced by C.
Protein change: p.Ile36Thr; replaces isoleucine 36 with threonine.
Molecular consequence: missense variant.
Genome position (GRCh38, 1-based): chr14:104,780,156, A>G on the plus strand (T>C on the coding strand, the complement: AKT1 is on the minus strand). VCF-style: chr14-104780156-A-G. GRCh37 (hg19) VCF-style: chr14-105246493-A-G.
Other names: c.107T>C, p.Ile36Thr (NM_001014431.2, NM_001014432.2, NM_001382431.1 and 3 more transcripts); short protein forms I36T.
Identifiers: ClinVar variation 566644 (VCV000566644.8), dbSNP rs758157217, ClinGen allele CA7374904.